The following is an entry in ClinVar:

ClinVar aggregate classification (germline): Pathogenic. Review status: criteria provided, multiple submitters, no conflicts (2 of 4 stars). 2 submissions from 2 submitters: Pathogenic (2). Last evaluated 2023-08-09.

Conditions:
Osteogenesis imperfecta type I (OI1). Also called: Lobstein disease; Classic Non-deforming Osteogenesis Imperfecta with Blue Sclerae; OI, TYPE I; OSTEOGENESIS IMPERFECTA TARDA; OSTEOGENESIS IMPERFECTA WITH BLUE SCLERAE; Osteogenesis imperfecta type 1. Identifiers: Orphanet 216796, Orphanet 666, MedGen C0023931, MONDO:0008146, OMIM 166200. Disease mechanism: loss of function.

Submissions (2):

Revvity Omics, Revvity
Classification: Pathogenic. Last evaluated: 2023-08-09. Review status: criteria provided, single submitter. Criteria: ACMG Guidelines, 2015. Collection method: clinical testing. Allele origin: germline.

Labcorp Genetics (formerly Invitae), Labcorp
Classification: Pathogenic for Osteogenesis imperfecta type I. Last evaluated: 2021-03-02. Review status: criteria provided, single submitter. Criteria: Invitae Variant Classification Sherloc (09022015). Collection method: clinical testing. Allele origin: germline.
Comment: For these reasons, this variant has been classified as Pathogenic. This variant has been observed in individual(s) with osteogenesis imperfecta (PMID: 30886339, 9443882). This variant is also known as c.1787insC. This variant is not present in population databases (ExAC no frequency). This sequence change creates a premature translational stop signal (p.Gly557Trpfs*30) in the COL1A1 gene. It is expected to result in an absent or disrupted protein product. Loss-of-function variants in COL1A1 are known to be pathogenic (PMID: 7942841, 9295084, 9443882).

Literature cited by the submitters: PubMed 30886339 (cited by Labcorp Genetics (formerly Invitae), Labcorp); PubMed 9443882 (cited by Labcorp Genetics (formerly Invitae), Labcorp); PubMed 7942841 (cited by Labcorp Genetics (formerly Invitae), Labcorp); PubMed 9295084 (cited by Labcorp Genetics (formerly Invitae), Labcorp).

NM_000088.4(COL1A1):c.1667dup (p.Gly557fs)

Gene: COL1A1 (collagen type I alpha 1 chain; minus strand). Cytogenetic location: 17q21.33.
Variant type: Duplication.
Coding change: c.1667dup on transcript NM_000088.4 (MANE Select); coding-DNA position 1667, one base duplicated (C; older notation c.1667dupC).
Protein change: p.Gly557fs; shifts the reading frame from glycine 557.
Molecular consequence: frameshift variant.
Genome position (GRCh38, 1-based): chr17:50,194,131, G duplicated on the plus strand (C on the coding strand, the reverse complement: COL1A1 is on the minus strand); the first of 6 consecutive G bases (chr17:50,194,131-50,194,136); duplicating any one gives the same sequence. VCF-style (leftmost placement, unchanged base first): chr17-50194130-A-AG. GRCh37 (hg19) VCF-style: chr17-48271491-A-AG.
Other names: c.1667dup (NM_000088.3); short protein forms G557fs.
Identifiers: ClinVar variation 1454642 (VCV001454642.10), dbSNP rs1351742344, ClinGen allele CA2573154174.